The following is an entry in ClinVar:

ClinVar aggregate classification (germline): Uncertain significance (1 of 4 stars; one submission).

Conditions:
Charcot-Marie-Tooth disease type 4. Also called: Charcot-Marie-Tooth, Type 4; Charcot-Marie-Tooth disease, type IV. Identifiers: Orphanet 64749, MedGen C4082197, MONDO:0018995.

Submission:

Labcorp Genetics (formerly Invitae), Labcorp
Classification: Uncertain significance for Charcot-Marie-Tooth disease type 4. Last evaluated: 2022-04-06. Review status: criteria provided, single submitter. Criteria: Invitae Variant Classification Sherloc (09022015). Collection method: clinical testing. Allele origin: germline.
Comment: In summary, the available evidence is currently insufficient to determine the role of this variant in disease. Therefore, it has been classified as a Variant of Uncertain Significance. Algorithms developed to predict the effect of missense changes on protein structure and function (SIFT, PolyPhen-2, Align-GVGD) all suggest that this variant is likely to be disruptive. This variant has not been reported in the literature in individuals affected with FGD4-related conditions. This variant is not present in population databases (gnomAD no frequency). This sequence change replaces arginine, which is basic and polar, with leucine, which is neutral and non-polar, at codon 354 of the FGD4 protein (p.Arg354Leu).

NM_001370298.3(FGD4):c.1472G>T (p.Arg491Leu)

Gene: FGD4 (FYVE, RhoGEF and PH domain containing 4; plus strand). Cytogenetic location: 12p11.21.
Variant type: single nucleotide variant.
Coding change: c.1472G>T on transcript NM_001370298.3 (MANE Select); coding-DNA position 1472, G replaced by T.
Protein change: p.Arg491Leu; replaces arginine 491 with leucine.
Molecular consequence: missense variant.
Genome position (GRCh38, 1-based): chr12:32,608,024, G>T. VCF-style: chr12-32608024-G-T. GRCh37 (hg19) VCF-style: chr12-32760958-G-T.
Other names: c.1316G>T, p.Arg439Leu (NM_001304481.2); c.317G>T, p.Arg106Leu (NM_001304483.2); c.29G>T, p.Arg10Leu (NM_001304484.2); c.782G>T, p.Arg261Leu (NM_001330373.2, NM_001330374.2, NM_001384130.1); c.509G>T, p.Arg170Leu (NM_001370297.1); c.1472G>T, p.Arg491Leu (NM_001384126.1); c.1061G>T, p.Arg354Leu (NM_001384127.1, NM_001384128.1, NM_001385118.1 and 1 more transcripts); short protein forms R106L, R354L, R491L, R439L, R10L, R170L, R261L.
Identifiers: ClinVar variation 2122304 (VCV002122304.4), dbSNP rs1415031307, ClinGen allele CA384360480.
Genomic context (GRCh38, chr12:32,608,024, plus strand): 5'-AAATCTGTGGGAGCTTAACTTTGCAGCATCACATGCTAGAACCTGTTCAGCGGATTCCCC[G>T]GTATGAGATGCTCCTTAAGGACTATCTAAGGAAATTGCCTCCTGATTCCCTGGACTGGAA-3'
Protein context (NP_001357227.2, residues 481-501): HMLEPVQRIP[Arg491Leu]YEMLLKDYLR